The following is an entry in ClinVar:

ClinVar aggregate classification (germline): Uncertain significance. Review status: criteria provided, multiple submitters, no conflicts (2 of 4 stars). 3 submissions from 3 submitters: Uncertain significance (3). Last evaluated 2025-06-13.

Conditions:
Inborn genetic diseases. Identifiers: MedGen C0950123, MeSH D030342.

Allele frequency attached by ClinVar (database versions not stated): gnomAD exomes below 0.00001 and 0.00001; TOPMed below 0.00001; ExAC 0.00001; gnomAD 0.00002.

Submissions (3):

GeneDx
Classification: Uncertain significance. Last evaluated: 2025-06-13. Review status: criteria provided, single submitter. Criteria: GeneDx Variant Classification Process June 2021. Collection method: clinical testing. Allele origin: germline. Affected: yes.
Comment: Not observed at significant frequency in large population cohorts (gnomAD); In silico analysis supports that this missense variant has a deleterious effect on protein structure/function; Has not been previously published as pathogenic or benign to our knowledge

Ambry Genetics
Classification: Uncertain significance for Inborn genetic diseases. Last evaluated: 2024-09-02. Review status: criteria provided, single submitter. Criteria: Ambry Variant Classification Scheme 2023. Collection method: clinical testing. Allele origin: germline.

Labcorp Genetics (formerly Invitae), Labcorp
Classification: Uncertain significance. Last evaluated: 2020-11-30. Review status: criteria provided, single submitter. Criteria: Invitae Variant Classification Sherloc (09022015). Collection method: clinical testing. Allele origin: germline.
Comment: This sequence change replaces methionine with valine at codon 94 of the CIB2 protein (p.Met94Val). The methionine residue is highly conserved and there is a small physicochemical difference between methionine and valine. This variant is present in population databases (rs763502452, ExAC 0.001%). This variant has not been reported in the literature in individuals with CIB2-related conditions. Algorithms developed to predict the effect of missense changes on protein structure and function are either unavailable or do not agree on the potential impact of this missense change (SIFT: "Not Available"; PolyPhen-2: "Benign"; Align-GVGD: "Not Available"). In summary, the available evidence is currently insufficient to determine the role of this variant in disease. Therefore, it has been classified as a Variant of Uncertain Significance.

NM_006383.4(CIB2):c.280A>G (p.Met94Val)

Gene: CIB2 (calcium and integrin binding family member 2; minus strand). Cytogenetic location: 15q25.1.
Variant type: single nucleotide variant.
Coding change: c.280A>G on transcript NM_006383.4 (MANE Select); coding-DNA position 280, A replaced by G.
Protein change: p.Met94Val; replaces methionine 94 with valine.
Molecular consequence: missense variant. On other transcripts: non-coding transcript variant (1).
Genome position (GRCh38, 1-based): chr15:78,109,301, T>C on the plus strand (A>G on the coding strand, the complement: CIB2 is on the minus strand). VCF-style: chr15-78109301-T-C. GRCh37 (hg19) VCF-style: chr15-78401643-T-C.
Other names: c.280A>G (NM_006383.2, NM_006383.3); c.151A>G, p.Met51Val (NM_001271888.2); c.133A>G, p.Met45Val (NM_001271889.2); c.295A>G, p.Met99Val (NM_001301224.2); short protein forms M45V, M51V, M94V, M99V.
Identifiers: ClinVar variation 1466898 (VCV001466898.8), dbSNP rs763502452, ClinGen allele CA7680249.